The following is an entry in ClinVar:

ClinVar aggregate classification (germline): Uncertain significance (1 of 4 stars; one submission).

Conditions:
Arrhythmogenic right ventricular dysplasia 10. Also called: Arrhythmogenic Right Ventricular Dysplasia/Cardiomyopathy10; ARRHYTHMOGENIC RIGHT VENTRICULAR DYSPLASIA, FAMILIAL, 10; Arrhythmogenic right ventricular dysplasia/cardiomyopathy, type 10. Identifiers: MedGen C1857777, MONDO:0012434, OMIM 610193.

Submission:

Labcorp Genetics (formerly Invitae), Labcorp
Classification: Uncertain significance for Arrhythmogenic right ventricular dysplasia 10. Last evaluated: 2025-12-02. Review status: criteria provided, single submitter. Criteria: Invitae Variant Classification Sherloc (09022015). Collection method: clinical testing. Allele origin: germline.
Comment: This sequence change replaces glutamine, which is neutral and polar, with proline, which is neutral and non-polar, at codon 918 of the DSG2 protein (p.Gln918Pro). This variant is not present in population databases (gnomAD no frequency). This variant has not been reported in the literature in individuals affected with DSG2-related conditions. An algorithm developed to predict the effect of missense changes on protein structure and function outputs the following: PolyPhen-2: "Benign". The proline amino acid residue is found in multiple mammalian species, which suggests that this missense change does not adversely affect protein function. In summary, the available evidence is currently insufficient to determine the role of this variant in disease. Therefore, it has been classified as a Variant of Uncertain Significance.

NM_001943.5(DSG2):c.2753A>C (p.Gln918Pro)

Genes: DSG2 (desmoglein 2; plus strand), DSG2-AS1 (DSG2 antisense RNA 1; minus strand). Cytogenetic location: 18q12.1.
Variant type: single nucleotide variant.
Coding change: c.2753A>C on transcript NM_001943.5 (MANE Select); coding-DNA position 2753, A replaced by C.
Protein change: p.Gln918Pro; replaces glutamine 918 with proline.
Molecular consequence: missense variant.
Genome position (GRCh38, 1-based): chr18:31,546,139, A>C. VCF-style: chr18-31546139-A-C. GRCh37 (hg19) VCF-style: chr18-29126102-A-C.
Other names: short protein forms Q918P.
Identifiers: ClinVar variation 4780367 (VCV004780367.1).